The following is an entry in ClinVar:

NM_001037333.3(CYFIP2):c.2683A>G (p.Ile895Val)

Gene: CYFIP2 (cytoplasmic FMR1 interacting protein 2; plus strand). Cytogenetic location: 5q33.3.
Variant type: single nucleotide variant.
Coding change: c.2683A>G on transcript NM_001037333.3 (MANE Select); coding-DNA position 2683, A replaced by G.
Protein change: p.Ile895Val; replaces isoleucine 895 with valine.
Molecular consequence: missense variant.
Genome position (GRCh38, 1-based): chr5:157,359,014, A>G. VCF-style: chr5-157359014-A-G. GRCh37 (hg19) VCF-style: chr5-156786022-A-G.
Other names: c.2605A>G, p.Ile869Val (NM_001291721.2); c.2758A>G, p.Ile920Val (NM_001291722.2); c.2683A>G, p.Ile895Val (NM_014376.4); short protein forms I869V, I920V, I895V.
Identifiers: ClinVar variation 2795725 (VCV002795725.3), dbSNP rs1193289827, ClinGen allele CA361976607.

ClinVar aggregate classification (germline): Uncertain significance (1 of 4 stars; one submission).

Allele frequency attached by ClinVar (database versions not stated): gnomAD exomes below 0.00001.
gnomAD v4.1: 3 of 1,613,900 alleles (0.00019%); highest among the groups gnomAD compares: Non-Finnish European, 0.00017%; no homozygotes.

Submission:

Labcorp Genetics (formerly Invitae), Labcorp
Classification: Uncertain significance. Last evaluated: 2023-04-12. Review status: criteria provided, single submitter. Criteria: Invitae Variant Classification Sherloc (09022015). Collection method: clinical testing. Allele origin: germline.
Comment: This sequence change replaces isoleucine, which is neutral and non-polar, with valine, which is neutral and non-polar, at codon 895 of the CYFIP2 protein (p.Ile895Val). This variant is present in population databases (no rsID available, gnomAD 0.0009%). This variant has not been reported in the literature in individuals affected with CYFIP2-related conditions. Experimental studies and prediction algorithms are not available or were not evaluated, and the functional significance of this variant is currently unknown. In summary, the available evidence is currently insufficient to determine the role of this variant in disease. Therefore, it has been classified as a Variant of Uncertain Significance.